The following is an entry in ClinVar:

NM_017617.5(NOTCH1):c.4009C>T (p.Pro1337Ser)

Gene: NOTCH1 (notch receptor 1; minus strand). Cytogenetic location: 9q34.3.
Variant type: single nucleotide variant.
Coding change: c.4009C>T on transcript NM_017617.5 (MANE Select); coding-DNA position 4009, C replaced by T.
Protein change: p.Pro1337Ser; replaces proline 1337 with serine.
Molecular consequence: missense variant.
Genome position (GRCh38, 1-based): chr9:136,506,532, G>A on the plus strand (C>T on the coding strand, the complement: NOTCH1 is on the minus strand). VCF-style: chr9-136506532-G-A. GRCh37 (hg19) VCF-style: chr9-139400984-G-A.
Other names: short protein forms P1337S.
Identifiers: ClinVar variation 3367459 (VCV003367459.1).

ClinVar aggregate classification (germline): Uncertain significance (1 of 4 stars; one submission).

gnomAD v4.1: 2 of 1,598,866 alleles (0.00013%); highest among the groups gnomAD compares: Non-Finnish European, 0.00017%; no homozygotes.

Submission:

GeneDx
Classification: Uncertain significance. Last evaluated: 2023-12-31. Review status: criteria provided, single submitter. Criteria: GeneDx Variant Classification Process June 2021. Collection method: clinical testing. Allele origin: germline. Affected: yes.
Comment: Not observed at significant frequency in large population cohorts (gnomAD); In silico analysis supports that this missense variant has a deleterious effect on protein structure/function; Has not been previously published as pathogenic or benign to our knowledge